The following is an entry in ClinVar:

NM_182914.3(SYNE2):c.18367A>G (p.Met6123Val)

Gene: SYNE2 (spectrin repeat containing nuclear envelope protein 2; plus strand). Cytogenetic location: 14q23.2.
Variant type: single nucleotide variant.
Coding change: c.18367A>G on transcript NM_182914.3 (MANE Select); coding-DNA position 18367, A replaced by G.
Protein change: p.Met6123Val; replaces methionine 6123 with valine.
Molecular consequence: missense variant.
Genome position (GRCh38, 1-based): chr14:64,208,923, A>G. VCF-style: chr14-64208923-A-G. GRCh37 (hg19) VCF-style: chr14-64675641-A-G.
Other names: c.18367A>G, p.Met6123Val (NM_015180.6); short protein forms M6123V.
Identifiers: ClinVar variation 4741696 (VCV004741696.1).
Genomic context (GRCh38, chr14:64,208,923, plus strand): 5'-TGTGACTCGATCCAGCAGACCACCAGGAGCCTGGACAGACGCTGGAGGAACATTTGTGCC[A>G]TGTCCATGGAGCGGCGCATGAAGTAAGAACTAAGCTCCCCCAAATGCCTTCAGCGTGGTC-3'
Protein context (NP_878918.2, residues 6113-6133): LDRRWRNICA[Met6123Val]SMERRMKIEE

ClinVar aggregate classification (germline): Uncertain significance (1 of 4 stars; one submission).

Conditions:
Emery-Dreifuss muscular dystrophy 5, autosomal dominant (EDMD5). Also called: EMERY-DREIFUSS MUSCULAR DYSTROPHY 5. Identifiers: Orphanet 261, MedGen C2751805, MONDO:0013072, OMIM 612999.

gnomAD v4.1: 10 of 1,614,144 alleles (0.00062%); highest among the groups gnomAD compares: Non-Finnish European, 0.00085%; no homozygotes.

Submission:

Labcorp Genetics (formerly Invitae), Labcorp
Classification: Uncertain significance for Emery-Dreifuss muscular dystrophy 5, autosomal dominant. Last evaluated: 2025-06-10. Review status: criteria provided, single submitter. Criteria: Invitae Variant Classification Sherloc (09022015). Collection method: clinical testing. Allele origin: germline.
Comment: This sequence change replaces methionine, which is neutral and non-polar, with valine, which is neutral and non-polar, at codon 6123 of the SYNE2 protein (p.Met6123Val). This variant is present in population databases (no rsID available, gnomAD 0.0009%). This variant has not been reported in the literature in individuals affected with SYNE2-related conditions. An algorithm developed to predict the effect of missense changes on protein structure and function (PolyPhen-2) suggests that this variant is likely to be disruptive. In summary, the available evidence is currently insufficient to determine the role of this variant in disease. Therefore, it has been classified as a Variant of Uncertain Significance.